The following is an entry in ClinVar:

ClinVar aggregate classification (germline): Uncertain significance. Review status: criteria provided, multiple submitters, no conflicts (2 of 4 stars). 2 submissions from 2 submitters: Uncertain significance (2). Last evaluated 2024-09-12.

Conditions:
Inborn genetic diseases. Identifiers: MedGen C0950123, MeSH D030342.

Allele frequency attached by ClinVar (database versions not stated): TOPMed 0.00001; ESP Exome Variant Server 0.00008.
gnomAD v4.1: 16 of 1,613,968 alleles (0.00099%); highest among the groups gnomAD compares: Admixed American, 0.0017%; no homozygotes.

Submissions (2):

Labcorp Genetics (formerly Invitae), Labcorp
Classification: Uncertain significance. Last evaluated: 2024-09-12. Review status: criteria provided, single submitter. Criteria: Invitae Variant Classification Sherloc (09022015). Collection method: clinical testing. Allele origin: germline.
Comment: This sequence change replaces arginine, which is basic and polar, with tryptophan, which is neutral and slightly polar, at codon 195 of the GSN protein (p.Arg195Trp). This variant is present in population databases (rs138951454, gnomAD 0.004%). This variant has not been reported in the literature in individuals affected with GSN-related conditions. ClinVar contains an entry for this variant (Variation ID: 1937443). Invitae Evidence Modeling of protein sequence and biophysical properties (such as structural, functional, and spatial information, amino acid conservation, physicochemical variation, residue mobility, and thermodynamic stability) indicates that this missense variant is expected to disrupt GSN protein function with a positive predictive value of 80%. In summary, the available evidence is currently insufficient to determine the role of this variant in disease. Therefore, it has been classified as a Variant of Uncertain Significance.

Ambry Genetics
Classification: Uncertain significance for Inborn genetic diseases. Last evaluated: 2022-09-06. Review status: criteria provided, single submitter. Criteria: Ambry Variant Classification Scheme 2023. Collection method: clinical testing. Allele origin: germline.

NM_198252.3(GSN):c.430C>T (p.Arg144Trp)

Gene: GSN (gelsolin; plus strand). Cytogenetic location: 9q33.2.
Variant type: single nucleotide variant.
Coding change: c.430C>T on transcript NM_198252.3 (MANE Select); coding-DNA position 430, C replaced by T.
Protein change: p.Arg144Trp; replaces arginine 144 with tryptophan.
Molecular consequence: missense variant. On other transcripts: 5 prime UTR variant (1).
Genome position (GRCh38, 1-based): chr9:121,310,762, C>T. VCF-style: chr9-121310762-C-T. GRCh37 (hg19) VCF-style: chr9-124073040-C-T.
Other names: c.583C>T, p.Arg195Trp (NM_000177.5); c.430C>T, p.Arg144Trp (NM_001127662.2, NM_001127664.2, NM_001127665.2 and 10 more transcripts); c.538C>T, p.Arg180Trp (NM_001127663.2); c.463C>T, p.Arg155Trp (NM_001127666.2, NM_001127667.2, NM_001353063.2 and 13 more transcripts); c.481C>T, p.Arg161Trp (NM_001258029.2); c.454C>T, p.Arg152Trp (NM_001258030.2); c.502C>T, p.Arg168Trp (NM_001353076.2); c.-225C>T (NM_001353078.2); short protein forms R161W, R180W, R195W, R144W, R168W, R152W, R155W.
Identifiers: ClinVar variation 1937443 (VCV001937443.6), dbSNP rs138951454, ClinGen allele CA199408687.